The following is an entry in ClinVar:

NM_001267550.2(TTN):c.32991T>C (p.Tyr10997=)

Gene: TTN (titin; minus strand). Cytogenetic location: 2q31.2.
Variant type: single nucleotide variant.
Coding change: c.32991T>C on transcript NM_001267550.2 (MANE Select); coding-DNA position 32991, T replaced by C.
Protein change: p.Tyr10997=; no amino-acid change (tyrosine 10997 retained).
Molecular consequence: synonymous variant. On other transcripts: intron variant (3).
Genome position (GRCh38, 1-based): chr2:178,682,800, A>G on the plus strand (T>C on the coding strand, the complement: TTN is on the minus strand). VCF-style: chr2-178682800-A-G. GRCh37 (hg19) VCF-style: chr2-179547527-A-G.
Other names: c.32040T>C, p.Tyr10680= (NM_001256850.1); c.29259T>C, p.Tyr9753= (NM_133378.4); c.13283-40483T>C (NM_003319.4); c.13859-40483T>C (NM_133437.4); c.13658-40483T>C (NM_133432.3).
Identifiers: ClinVar variation 1583290 (VCV001583290.10), dbSNP rs373166071, ClinGen allele CA1998480.
Genomic context (GRCh38, chr2:178,682,800, plus strand): 5'-CTCCTCGTATTCTTCATATTGGTCATATTCTTCTGTTGGTTCATACTCCTCAAATTCTTT[A>G]TAATCATATTCTTCATATTCCTCATATTCTTCTTCCCGTTGTACTGAAACAGCTTCTTCT-3'
Protein context (NP_001254479.2, residues 10987-11007): EEYEEYEEYD[Tyr10997=]KEFEEYEPTE

ClinVar aggregate classification (germline): Likely benign. Review status: criteria provided, single submitter (1 of 4 stars). 2 submissions from 2 submitters: Likely benign (1). 1 of the submissions does not count toward it. Last evaluated 2025-03-09.

Conditions:
TTN-related disorder. Also called: TTN-related disorders; TTN-related condition; TTN-related disease.
Autosomal recessive limb-girdle muscular dystrophy type 2J (LGMDR10). Also called: Limb-girdle muscular dystrophy, type 2J; MUSCULAR DYSTROPHY, LIMB-GIRDLE, AUTOSOMAL RECESSIVE 10. Identifiers: Orphanet 140922, MedGen C1837342, MONDO:0012127, OMIM 608807.
Dilated cardiomyopathy 1G (CMD1G). Identifiers: Orphanet 154, MedGen C1858763, MONDO:0011400, OMIM 604145.

Allele frequency attached by ClinVar (database versions not stated): gnomAD 0.00001; ExAC 0.00002; gnomAD exomes 0.00002 and 0.00003; TOPMed 0.00002; ESP Exome Variant Server 0.00008.
gnomAD v4.1: 41 of 1,612,950 alleles (0.0025%); highest among the groups gnomAD compares: Non-Finnish European, 0.0033%; no homozygotes.

Submissions (2):

Labcorp Genetics (formerly Invitae), Labcorp
Classification: Likely benign for Dilated cardiomyopathy 1G; Autosomal recessive limb-girdle muscular dystrophy type 2J. Last evaluated: 2025-03-09. Review status: criteria provided, single submitter. Criteria: Invitae Variant Classification Sherloc (09022015). Collection method: clinical testing. Allele origin: germline.

PreventionGenetics, part of Exact Sciences
Classification: Likely benign for TTN-related condition. Last evaluated: 2022-08-02. Review status: no assertion criteria provided. Collection method: clinical testing. Allele origin: germline. Not counted in ClinVar's aggregate classification.
Comment: This variant is classified as likely benign based on ACMG/AMP sequence variant interpretation guidelines (Richards et al. 2015 PMID: 25741868, with internal and published modifications).